The following is an entry in ClinVar:

NM_000834.5(GRIN2B):c.1780+2_1780+3delinsGT

Gene: GRIN2B (glutamate ionotropic receptor NMDA type subunit 2B; minus strand). Cytogenetic location: 12p13.1.
Variant type: Indel.
Coding change: c.1780+2_1780+3delinsGT on transcript NM_000834.5 (MANE Select); the canonical splice donor site of the intron after coding-DNA position 1780 through 3 bases into the intron after coding-DNA position 1780, TA replaced by GT.
Molecular consequence: splice donor variant.
Genome position (GRCh38, 1-based): chr12:13,611,722-13,611,723, TA replaced by AC on the plus strand (TA replaced by GT on the coding strand, the reverse complement: GRIN2B is on the minus strand). VCF-style: chr12-13611722-TA-AC. GRCh37 (hg19) VCF-style: chr12-13764656-TA-AC.
Identifiers: ClinVar variation 373732 (VCV000373732.1), dbSNP rs1057518577, ClinGen allele CA16042788.

ClinVar aggregate classification (germline): Pathogenic (1 of 4 stars; one submission).

Submission:

GeneDx
Classification: Pathogenic. Last evaluated: 2016-11-28. Review status: criteria provided, single submitter. Criteria: GeneDx Variant Classification (06012015). Collection method: clinical testing. Allele origin: germline. Affected: yes.
Comment: The c.1780+2_1780+3delTAinsGT variant in the GRIN2B gene has not been reported previously as a pathogenic variant nor as a benign variant, to our knowledge. This splice site variant destroys the canonical splice donor site in intron 8. It is predicted to cause abnormal gene splicing, either leading to an abnormal message that is subject to nonsense-mediated mRNA decay, or to an abnormal protein product if the message is used for protein translation. The c.1780+2_1780+3delTAinsGT variant was not observed in approximately 6,500 individuals of European and African American ancestry in the NHLBI Exome Sequencing Project, indicating it is not a common benign variant in these populations. We interpret c.1780+2_1780+3delTAinsGT as a pathogenic variant.